The following is an entry in ClinVar:

NM_007294.4(BRCA1):c.5406+4A>T

Gene: BRCA1 (BRCA1 DNA repair associated; minus strand). Cytogenetic location: 17q21.31.
Variant type: single nucleotide variant.
Coding change: c.5406+4A>T on transcript NM_007294.4 (MANE Select); 4 bases into the intron after coding-DNA position 5406, A replaced by T.
Molecular consequence: intron variant.
Genome position (GRCh38, 1-based): chr17:43,049,117, T>A on the plus strand (A>T on the coding strand, the complement: BRCA1 is on the minus strand). VCF-style: chr17-43049117-T-A. GRCh37 (hg19) VCF-style: chr17-41201134-T-A.
Other names: c.1953+4A>T (NM_001408458.1, NM_001408461.1, NM_001408464.1 and 7 more transcripts); c.4515+4A>T (NM_001407967.1); c.5025+4A>T (NM_001407959.1); c.5139+4A>T (NM_001407931.1, NM_001407932.1, NM_001407928.1 and 4 more transcripts); c.5262+4A>T (NM_001407747.1, NM_001407745.1, NM_001407737.1 and 18 more transcripts); c.5022+4A>T (NM_001407962.1, NM_001407960.1); c.1593+4A>T (NM_001408512.1); c.1716+4A>T (NM_001408510.1); and 84 more.
Identifiers: ClinVar variation 865433 (VCV000865433.3), dbSNP rs397509279, ClinGen allele CA916080838.
Genomic context (GRCh38, chr17:43,049,117, plus strand): 5'-GCCAGTCTTGCTCACAGGAGAGAATATTGTGTCCTCCCTCTCTGACAGGGCACCCAATAC[T>A]TACTGTGCCAAGGGTGAATGATGAAAGCTCCTTCACCACAGAAGCACCACACAGCTGTAC-3'

Conditions:
Breast-ovarian cancer, familial, susceptibility to, 1 (BROVCA1). Also called: BRCA1 Hereditary Breast and Ovarian Cancer; OVARIAN CANCER, SUSCEPTIBILITY TO. Identifiers: Orphanet 145, MedGen C2676676, MONDO:0011450, OMIM 604370. Disease mechanism: loss of function.

Submission:

Brotman Baty Institute, University of Washington
No classification provided (evidence only). Condition: Breast-ovarian cancer, familial 1. Review status: no classification provided. Collection method: in vitro. Allele origin: not applicable. Functional consequence: function_uncertain_variant.
ClinVar note: "not provided" was previously submitted as the classification for the variant. However, the classification appeared to be based only on an observation of functional data so it was converted to no classification on 2025-07-30.